The following is an entry in ClinVar:

NM_199242.3(UNC13D):c.965_968delinsTTCATGCATACACCACATGAAACATCCTATCATCTGTAGGCTCATTCATTTCTCTAACAGCAGTAATA (p.Ser322_Trp323delinsPheHisAlaTyrThrThrTer)

Gene: UNC13D (unc-13 homolog D; minus strand). Cytogenetic location: 17q25.1.
Variant type: Indel.
Coding change: c.965_968delinsTTCATGCATACACCACATGAAACATCCTATCATCTGTAGGCTCATTCATTTCTCTAACAGCAGTAATA on transcript NM_199242.3 (MANE Select); coding-DNA positions 965 to 968, the reference bases replaced by an inserted sequence.
Protein change: p.Ser322_Trp323delinsPheHisAlaTyrThrThrTer.
Molecular consequence: nonsense.
Genome position (GRCh38, 1-based): chr17:75,839,926-75,839,929, 4 bases replaced. GRCh37 (hg19): chr17:73,836,007-73,836,010.
Identifiers: ClinVar variation 2872879 (VCV002872879.3), dbSNP rs2545984930, ClinGen allele CA2739268409.

ClinVar aggregate classification (germline): Pathogenic (1 of 4 stars; one submission).

Conditions:
Familial hemophagocytic lymphohistiocytosis 3 (FHL3). Also called: UNC13D-Related Familial Hemophagocytic Lymphohistiocytosis (UNC13D-fHLH). Identifiers: Orphanet 540, MedGen C1837174, MONDO:0012146, OMIM 608898.

Submission:

Labcorp Genetics (formerly Invitae), Labcorp
Classification: Pathogenic for Familial hemophagocytic lymphohistiocytosis 3. Last evaluated: 2023-03-08. Review status: criteria provided, single submitter. Criteria: Invitae Variant Classification Sherloc (09022015). Collection method: clinical testing. Allele origin: germline.
Comment: For these reasons, this variant has been classified as Pathogenic. This variant has not been reported in the literature in individuals affected with UNC13D-related conditions. This variant is not present in population databases (gnomAD no frequency). This sequence change creates a premature translational stop signal (p.Ser322Phefs*7) in the UNC13D gene. It is expected to result in an absent or disrupted protein product. Loss-of-function variants in UNC13D are known to be pathogenic (PMID: 14622600).

Literature cited by the submitters: PubMed 14622600.